The following is an entry in ClinVar:

ClinVar aggregate classification (germline): Uncertain significance. Review status: criteria provided, multiple submitters, no conflicts (2 of 4 stars). 2 submissions from 2 submitters: Uncertain significance (2). Last evaluated 2025-03-06.

Conditions:
Inborn genetic diseases. Identifiers: MedGen C0950123, MeSH D030342.
Baller-Gerold syndrome (BGS). Also called: CRANIOSYNOSTOSIS WITH RADIAL DEFECTS. Identifiers: Orphanet 1225, MedGen C0265308, MONDO:0009039, OMIM 218600.

Submissions (2):

Ambry Genetics
Classification: Uncertain significance for Inborn genetic diseases. Last evaluated: 2025-03-06. Review status: criteria provided, single submitter. Criteria: Ambry Variant Classification Scheme 2023. Collection method: clinical testing. Allele origin: germline.
Comment: The p.H81Q variant (also known as c.243T>G), located in coding exon 4 of the RECQL4 gene, results from a T to G substitution at nucleotide position 243. The histidine at codon 81 is replaced by glutamine, an amino acid with highly similar properties. This amino acid position is conserved. In addition, the in silico prediction for this alteration is inconclusive. Based on the available evidence, the clinical significance of this variant remains unclear.

Labcorp Genetics (formerly Invitae), Labcorp
Classification: Uncertain significance for Baller-Gerold syndrome. Last evaluated: 2023-04-08. Review status: criteria provided, single submitter. Criteria: Invitae Variant Classification Sherloc (09022015). Collection method: clinical testing. Allele origin: germline.
Comment: In summary, the available evidence is currently insufficient to determine the role of this variant in disease. Therefore, it has been classified as a Variant of Uncertain Significance. Advanced modeling of protein sequence and biophysical properties (such as structural, functional, and spatial information, amino acid conservation, physicochemical variation, residue mobility, and thermodynamic stability) performed at Invitae indicates that this missense variant is expected to disrupt RECQL4 protein function. ClinVar contains an entry for this variant (Variation ID: 569305). This variant has not been reported in the literature in individuals affected with RECQL4-related conditions. This variant is not present in population databases (gnomAD no frequency). This sequence change replaces histidine, which is basic and polar, with glutamine, which is neutral and polar, at codon 81 of the RECQL4 protein (p.His81Gln).

NM_004260.4(RECQL4):c.243T>G (p.His81Gln)

Gene: RECQL4 (RecQ like helicase 4; minus strand). Cytogenetic location: 8q24.3.
Variant type: single nucleotide variant.
Coding change: c.243T>G on transcript NM_004260.4 (MANE Select); coding-DNA position 243, T replaced by G.
Protein change: p.His81Gln; replaces histidine 81 with glutamine.
Molecular consequence: missense variant.
Genome position (GRCh38, 1-based): chr8:144,517,161, A>C on the plus strand (T>G on the coding strand, the complement: RECQL4 is on the minus strand). VCF-style: chr8-144517161-A-C. GRCh37 (hg19) VCF-style: chr8-145742545-A-C.
Other names: short protein forms H81Q.
Identifiers: ClinVar variation 569305 (VCV000569305.8), dbSNP rs1423806349, ClinGen allele CA372692286.